The following is an entry in ClinVar:

NM_015991.4(C1QA):c.475T>C (p.Tyr159His)

Gene: C1QA (complement C1q A chain; plus strand). Cytogenetic location: 1p36.12.
Variant type: single nucleotide variant.
Coding change: c.475T>C on transcript NM_015991.4 (MANE Select); coding-DNA position 475, T replaced by C.
Protein change: p.Tyr159His; replaces tyrosine 159 with histidine.
Molecular consequence: missense variant.
Genome position (GRCh38, 1-based): chr1:22,639,144, T>C. VCF-style: chr1-22639144-T-C. GRCh37 (hg19) VCF-style: chr1-22965637-T-C.
Other names: c.475T>C, p.Tyr159His (NM_001347465.2, NM_001347466.2); short protein forms Y159H.
Identifiers: ClinVar variation 1998865 (VCV001998865.4), dbSNP rs754597784, ClinGen allele CA677790.

ClinVar aggregate classification (germline): Uncertain significance (1 of 4 stars; one submission).

Allele frequency attached by ClinVar (database versions not stated): ExAC 0.00002.
gnomAD v4.1: 8 of 1,614,258 alleles (0.0005%); highest among the groups gnomAD compares: Non-Finnish European, 0.00025%; no homozygotes.

Submission:

Labcorp Genetics (formerly Invitae), Labcorp
Classification: Uncertain significance. Last evaluated: 2022-05-25. Review status: criteria provided, single submitter. Criteria: Invitae Variant Classification Sherloc (09022015). Collection method: clinical testing. Allele origin: germline.
Comment: In summary, the available evidence is currently insufficient to determine the role of this variant in disease. Therefore, it has been classified as a Variant of Uncertain Significance. Algorithms developed to predict the effect of missense changes on protein structure and function (SIFT, PolyPhen-2, Align-GVGD) all suggest that this variant is likely to be disruptive. This variant has not been reported in the literature in individuals affected with C1QA-related conditions. This variant is present in population databases (rs754597784, gnomAD 0.004%). This sequence change replaces tyrosine, which is neutral and polar, with histidine, which is basic and polar, at codon 159 of the C1QA protein (p.Tyr159His).